The following is an entry in ClinVar:

NC_000021.8:g.(?_37832918)_(37852421_?)dup

Gene: CLDN14 (claudin 14; minus strand). Cytogenetic location: 21q22.13.
Variant type: Duplication.
Identifiers: ClinVar variation 4526022 (VCV004526022.1).

ClinVar aggregate classification (germline): Uncertain significance (1 of 4 stars; one submission).

Submission:

Women's Health and Genetics/Laboratory Corporation of America, LabCorp
Classification: Uncertain significance. Last evaluated: 2025-07-09. Review status: criteria provided, single submitter. Criteria: LabCorp Variant Classification Summary - May 2015. Collection method: clinical testing. Allele origin: germline.
Comment: Variant summary: The variant involves the duplication of exons 1-3 in the CLDN14 gene. A presumed nomenclature of c.(?_-900)_(*356_?)dup has been designated for the purposes of this classification. This duplication includes the entire coding sequence of the gene. As exact breakpoints are unknown, it may extend beyond the annotated region of the gene, to include other flanking genes. The variant was absent in 21694 control chromosomes. The available data on variant occurrences in the general population are insufficient to allow any conclusion about variant significance. To our knowledge, no occurrence of c.(?_-900)_(*356_?)dup in individuals affected with Autosomal Recessive Nonsyndromic Hearing Loss 29 and no experimental evidence demonstrating its impact on protein function have been reported. No submitters have cited clinical-significance assessments for this variant to ClinVar. Based on the evidence outlined above, the variant was classified as uncertain significance.